The following is an entry in ClinVar:

ClinVar aggregate classification (germline): Uncertain significance (1 of 4 stars; one submission).

gnomAD v4.1: 22 of 1,601,750 alleles (0.0014%); highest among the groups gnomAD compares: Non-Finnish European, 0.0017%; no homozygotes.

Submission:

Labcorp Genetics (formerly Invitae), Labcorp
Classification: Uncertain significance. Last evaluated: 2022-07-14. Review status: criteria provided, single submitter. Criteria: Invitae Variant Classification Sherloc (09022015). Collection method: clinical testing. Allele origin: germline.
Comment: In summary, the available evidence is currently insufficient to determine the role of this variant in disease. Therefore, it has been classified as a Variant of Uncertain Significance. Experimental studies and prediction algorithms are not available or were not evaluated, and the functional significance of this variant is currently unknown. This variant has not been reported in the literature in individuals affected with COL18A1-related conditions. This variant is not present in population databases (gnomAD no frequency). This sequence change replaces leucine, which is neutral and non-polar, with arginine, which is basic and polar, at codon 1247 of the COL18A1 protein (p.Leu1247Arg).

NM_001379500.1(COL18A1):c.3749T>G (p.Leu1250Arg)

Genes: COL18A1 (collagen type XVIII alpha 1 chain; plus strand), SLC19A1 (solute carrier family 19 member 1; minus strand). Cytogenetic location: 21q22.3.
Variant type: single nucleotide variant.
Coding change: c.3749T>G on transcript NM_001379500.1 (MANE Select); coding-DNA position 3749, T replaced by G.
Protein change: p.Leu1250Arg; replaces leucine 1250 with arginine.
Molecular consequence: missense variant.
Genome position (GRCh38, 1-based): chr21:45,511,166, T>G. VCF-style: chr21-45511166-T-G. GRCh37 (hg19) VCF-style: chr21-46931080-T-G.
Other names: c.4280T>G, p.Leu1427Arg (NM_030582.4); c.4985T>G, p.Leu1662Arg (NM_130444.3); short protein forms L1427R, L1662R, L1250R.
Identifiers: ClinVar variation 1940560 (VCV001940560.5), dbSNP rs766085368, ClinGen allele CA410501962.